The following is an entry in ClinVar:

NM_000059.4(BRCA2):c.4035T>C (p.Asp1345=)

Gene: BRCA2 (BRCA2 DNA repair associated; plus strand). Cytogenetic location: 13q13.1.
Variant type: single nucleotide variant.
Coding change: c.4035T>C on transcript NM_000059.4 (MANE Select); coding-DNA position 4035, T replaced by C.
Protein change: p.Asp1345=; no amino-acid change (aspartic acid 1345 retained).
Molecular consequence: synonymous variant.
Genome position (GRCh38, 1-based): chr13:32,338,390, T>C. VCF-style: chr13-32338390-T-C. GRCh37 (hg19) VCF-style: chr13-32912527-T-C.
Identifiers: ClinVar variation 765552 (VCV000765552.14), dbSNP rs1304787573, ClinGen allele CA483438115.

ClinVar aggregate classification (germline): Conflicting classifications of pathogenicity. Review status: criteria provided, conflicting classifications (1 of 4 stars). 4 submissions from 4 submitters: Pathogenic (1); Benign (1); Likely benign (2). Last evaluated 2025-08-07.

Conditions:
Hereditary breast ovarian cancer syndrome. Also called: Hereditary breast and ovarian cancer syndrome (HBOC); Hereditary breast and/or ovarian cancer syndrome; Hereditary breast and ovarian cancer syndrome; BRCA1- and BRCA2-Associated Hereditary Breast and Ovarian Cancer; Hereditary breast and ovarian cancer; Breast and ovarian cancer. Identifiers: Orphanet 145, MedGen C0677776, MeSH D061325, MONDO:0003582. Disease mechanism: loss of function.
Breast-ovarian cancer, familial, susceptibility to, 2 (BROVCA2). Also called: BRCA2 Hereditary Breast and Ovarian Cancer. Identifiers: Orphanet 145, MedGen C2675520, MONDO:0012933, OMIM 612555. Disease mechanism: loss of function.
Inherited breast cancer and ovarian cancer.
Hereditary cancer-predisposing syndrome. Also called: Tumor predisposition; Hereditary Cancer Syndrome; Neoplastic Syndromes, Hereditary; Hereditary neoplastic syndrome. Identifiers: Orphanet 140162, MedGen C0027672, MeSH D009386, MONDO:0015356.

Submissions (4):

Labcorp Genetics (formerly Invitae), Labcorp
Classification: Benign for Hereditary breast ovarian cancer syndrome. Last evaluated: 2025-08-07. Review status: criteria provided, single submitter. Criteria: Invitae Variant Classification Sherloc (09022015). Collection method: clinical testing. Allele origin: germline.

Ambry Genetics
Classification: Likely benign for Hereditary cancer-predisposing syndrome. Last evaluated: 2025-06-21. Review status: criteria provided, single submitter. Criteria: Ambry Variant Classification Scheme 2023. Collection method: clinical testing. Allele origin: germline.

NHS Central & South Genomic Laboratory Hub
Classification: Pathogenic for Inherited breast cancer and ovarian cancer. Last evaluated: 2025-04-09. Review status: criteria provided, single submitter. Criteria: ACMG Guidelines, 2015. Collection method: clinical testing. Allele origin: germline. Affected: yes.

All of Us Research Program, National Institutes of Health
Classification: Likely benign for Breast-ovarian cancer, familial, susceptibility to, 2. Last evaluated: 2023-10-02. Review status: criteria provided, single submitter. Criteria: ACMG Guidelines, 2015. Collection method: clinical testing. Allele origin: germline. Inheritance: Autosomal dominant inheritance. Observed: 1 variant allele, 1 heterozygote.
Comment: This study involves interpretation of variants in research participants for the purpose of population health screening. Participant phenotype was not available at the time of variant classification. Additional details can be found in publication PMID: 35346344, PMCID: PMC8962531